The following is an entry in ClinVar:

ClinVar aggregate classification (germline): Uncertain significance (1 of 4 stars; one submission).

Conditions:
Spastic paraplegia. Identifiers: MedGen C0037772, HP:0001258.

Submission:

Labcorp Genetics (formerly Invitae), Labcorp
Classification: Uncertain significance for Spastic paraplegia. Last evaluated: 2025-03-26. Review status: criteria provided, single submitter. Criteria: Invitae Variant Classification Sherloc (09022015). Collection method: clinical testing. Allele origin: germline.
Comment: This sequence change replaces alanine, which is neutral and non-polar, with glycine, which is neutral and non-polar, at codon 1025 of the KDM5C protein (p.Ala1025Gly). This variant is not present in population databases (gnomAD no frequency). This variant has not been reported in the literature in individuals affected with KDM5C-related conditions. Invitae Evidence Modeling of protein sequence and biophysical properties (such as structural, functional, and spatial information, amino acid conservation, physicochemical variation, residue mobility, and thermodynamic stability) indicates that this missense variant is not expected to disrupt KDM5C protein function with a negative predictive value of 95%. In summary, the available evidence is currently insufficient to determine the role of this variant in disease. Therefore, it has been classified as a Variant of Uncertain Significance.

NM_004187.5(KDM5C):c.3074C>G (p.Ala1025Gly)

Gene: KDM5C (lysine demethylase 5C; minus strand). Cytogenetic location: Xp11.22.
Variant type: single nucleotide variant.
Coding change: c.3074C>G on transcript NM_004187.5 (MANE Select); coding-DNA position 3074, C replaced by G.
Protein change: p.Ala1025Gly; replaces alanine 1025 with glycine.
Molecular consequence: missense variant. On other transcripts: non-coding transcript variant (3).
Genome position (GRCh38, 1-based): chrX:53,195,962, G>C on the plus strand (C>G on the coding strand, the complement: KDM5C is on the minus strand). VCF-style: chrX-53195962-G-C. GRCh37 (hg19) VCF-style: chrX-53225144-G-C.
Other names: c.2873C>G, p.Ala958Gly (NM_001146702.2); c.3071C>G, p.Ala1024Gly (NM_001282622.3, NM_001353979.2, NM_001353982.2); c.3074C>G, p.Ala1025Gly (NM_001353978.3, NM_001353981.2, NM_001353984.2); short protein forms A1025G, A958G, A1024G.
Identifiers: ClinVar variation 3643096 (VCV003643096.2).